The following is an entry in ClinVar:

GRCh38/hg38 15q11.1-13.2(chr15:19866420-30445140)x4

Genes: OR4M2-OT1 (OR4M2 overlapping transcript 1; plus strand), OR4M2B (olfactory receptor family 4 subfamily M member 2B; plus strand), OR4N4 (olfactory receptor family 4 subfamily N member 4; plus strand), OR4N4C (olfactory receptor family 4 subfamily N member 4C; plus strand), POTEB (POTE ankyrin domain family member B) and 219 more. Cytogenetic location: 15q11.1-13.2.
Variant type: copy number gain.
Change: copy number 4 of chr15:19,866,420-30,445,140 (10.58 Mb, GRCh38 coordinates, 1-based), cytogenetic band 15q11.1-13.2.
Identifiers: ClinVar variation 4852025 (VCV004852025.1).

ClinVar aggregate classification (germline): Pathogenic (1 of 4 stars; one submission).

Submission:

Clinical Genomics Laboratory, Laboratory for Precision Diagnostics, University of Washington
Classification: Pathogenic. Last evaluated: 2022-02-14. Review status: criteria provided, single submitter. Criteria: ACMG/ClinGen CNV Guidelines, 2019. Collection method: clinical testing. Allele origin: unknown. Affected: yes. Observed: 1 variant allele.
Comment: Paient also had arr[GRCh38] 15q13.2q13.3(30445141_32222140)x3 and arr[GRCh38] 16p11.2(29584162_30204300)x1; The proximal 15q region of two-copy gain is approximately 10.6 Mb in size and encompasses 56 protein-coding genes, including GABRB3 and GABRA5, which are implicated in seizure disorders. The adjacent region of one-copy gain is approximately 1.8 Mb in size and includes 9 protein-coding genes. The inv dup(15) syndrome, also referred to as the idic(15) syndrome, is well described.